The following is an entry in ClinVar:

NM_001853.4(COL9A3):c.95G>A (p.Gly32Asp)

Gene: COL9A3 (collagen type IX alpha 3 chain; plus strand). Cytogenetic location: 20q13.33.
Variant type: single nucleotide variant.
Coding change: c.95G>A on transcript NM_001853.4 (MANE Select); coding-DNA position 95, G replaced by A.
Protein change: p.Gly32Asp; replaces glycine 32 with aspartic acid.
Molecular consequence: missense variant.
Genome position (GRCh38, 1-based): chr20:62,817,583, G>A. VCF-style: chr20-62817583-G-A. GRCh37 (hg19) VCF-style: chr20-61448935-G-A.
Other names: short protein forms G32D.
Identifiers: ClinVar variation 1437544 (VCV001437544.6), dbSNP rs550448320, ClinGen allele CA9949001.

ClinVar aggregate classification (germline): Uncertain significance (1 of 4 stars; one submission).

Allele frequency attached by ClinVar (database versions not stated): TOPMed 0.00001; gnomAD 0.00001; gnomAD exomes 0.00002; ExAC 0.00008; 1000 Genomes Project 0.00040.
gnomAD v4.1: 6 of 1,534,404 alleles (0.00039%); highest among the groups gnomAD compares: Admixed American, 0.0059%; no homozygotes.

Submission:

Labcorp Genetics (formerly Invitae), Labcorp
Classification: Uncertain significance. Last evaluated: 2026-01-27. Review status: criteria provided, single submitter. Criteria: Invitae Variant Classification Sherloc (09022015). Collection method: clinical testing. Allele origin: germline.
Comment: This sequence change replaces glycine, which is neutral and non-polar, with aspartic acid, which is acidic and polar, at codon 32 of the COL9A3 protein (p.Gly32Asp). This variant is present in population databases (rs550448320, gnomAD 0.009%). This variant has not been reported in the literature in individuals affected with COL9A3-related conditions. ClinVar contains an entry for this variant (Variation ID: 1437544). Invitae Evidence Modeling of protein sequence and biophysical properties (such as structural, functional, and spatial information, amino acid conservation, physicochemical variation, residue mobility, and thermodynamic stability) indicates that this missense variant is expected to disrupt COL9A3 protein function with a positive predictive value of 95%. In summary, the available evidence is currently insufficient to determine the role of this variant in disease. Therefore, it has been classified as a Variant of Uncertain Significance.